The following is an entry in ClinVar:

NM_001099922.3(ALG13):c.2793A>C (p.Pro931=)

Gene: ALG13 (ALG13 UDP-N-acetylglucosaminyltransferase subunit; plus strand). Cytogenetic location: Xq23.
Variant type: single nucleotide variant.
Coding change: c.2793A>C on transcript NM_001099922.3 (MANE Select); coding-DNA position 2793, A replaced by C.
Protein change: p.Pro931=; no amino-acid change (proline 931 retained).
Molecular consequence: synonymous variant. On other transcripts: intron variant (5).
Genome position (GRCh38, 1-based): chrX:111,744,765, A>C. VCF-style: chrX-111744765-A-C. GRCh37 (hg19) VCF-style: chrX-110987993-A-C.
Other names: c.2559A>C, p.Pro853= (NM_001257231.2); c.2383+7886A>C (NM_001257237.2, NM_001257234.2, NM_001257230.2); c.2209+7886A>C (NM_001324293.1); c.2695+7886A>C (NM_001324292.2); c.2793A>C (NM_001099922.2).
Identifiers: ClinVar variation 1111811 (VCV001111811.12), dbSNP rs1325128061, ClinGen allele CA518059791.

ClinVar aggregate classification (germline): Likely benign. Review status: criteria provided, multiple submitters, no conflicts (2 of 4 stars). 3 submissions from 3 submitters: Likely benign (2). 1 of the submissions does not count toward it. Last evaluated 2025-12-21.

Conditions:
ALG13-related disorder. Also called: ALG13-related condition.
Developmental and epileptic encephalopathy, 36 (DEE36). Also called: ALG13-CDG; Congenital disorder of glycosylation, type Is; Epileptic encephalopathy, early infantile, 36. Identifiers: Orphanet 324422, MedGen C4317295, MONDO:0010472, OMIM 300884.

Submissions (3):

Labcorp Genetics (formerly Invitae), Labcorp
Classification: Likely benign for Developmental and epileptic encephalopathy, 36. Last evaluated: 2025-12-21. Review status: criteria provided, single submitter. Criteria: Invitae Variant Classification Sherloc (09022015). Collection method: clinical testing. Allele origin: germline.

Blueprint Genetics
Classification: Likely benign. Last evaluated: 2024-11-27. Review status: criteria provided, single submitter. Criteria: ACMG Guidelines, 2015. Collection method: clinical testing. Allele origin: germline.

PreventionGenetics, part of Exact Sciences
Classification: Likely benign for ALG13-related condition. Last evaluated: 2019-05-10. Review status: no assertion criteria provided. Collection method: clinical testing. Allele origin: germline. Not counted in ClinVar's aggregate classification.
Comment: This variant is classified as likely benign based on ACMG/AMP sequence variant interpretation guidelines (Richards et al. 2015 PMID: 25741868, with internal and published modifications).